The following is an entry in ClinVar:

NM_022124.6(CDH23):c.1134+26G>A

Gene: CDH23 (cadherin related 23; plus strand). Cytogenetic location: 10q22.1.
Variant type: single nucleotide variant.
Coding change: c.1134+26G>A on transcript NM_022124.6 (MANE Select); 26 bases into the intron after coding-DNA position 1134, G replaced by A.
Molecular consequence: intron variant. On other transcripts: missense variant (1).
Genome position (GRCh38, 1-based): chr10:71,617,419, G>A. VCF-style: chr10-71617419-G-A. GRCh37 (hg19) VCF-style: chr10-73377176-G-A.
Other names: c.1160G>A, p.Cys387Tyr (NM_001171932.2); c.1134+26G>A (NM_001171930.2, NM_001171931.2, NM_052836.4); short protein forms C387Y.
Identifiers: ClinVar variation 1120069 (VCV001120069.4), dbSNP rs2132520415, ClinGen allele CA2499220318.

ClinVar aggregate classification (germline): Uncertain significance (1 of 4 stars; one submission).

Submission:

Laboratory for Molecular Medicine, Mass General Brigham Personalized Medicine
Classification: Uncertain significance. Last evaluated: 2020-07-10. Review status: criteria provided, single submitter. Criteria: LMM Criteria. Collection method: clinical testing. Allele origin: germline. Observed: 1 variant allele.
Comment: The p.Cys387Tyr variant in CDH23 has not been previously reported in individuals with hearing loss or Usher syndrome. Computational prediction tools and conservation analysis suggest that this variant may impact the protein, though this information is not predictive enough to determine pathogenicity. In addition, the variant is located in a noncoding region in 6 out of 7 of RefSeq transcripts for CDH23. Therefore, the predicted impact to the CDH23 protein is unknown. In summary, the clinical significance of the p.Cys387Tyr variant is uncertain. ACMG/AMP Criteria applied: PM2, PP3.